The following is an entry in ClinVar:

NM_002485.5(NBN):c.1567T>C (p.Phe523Leu)

Gene: NBN (nibrin; minus strand). Cytogenetic location: 8q21.3.
Variant type: single nucleotide variant.
Coding change: c.1567T>C on transcript NM_002485.5 (MANE Select); coding-DNA position 1567, T replaced by C.
Protein change: p.Phe523Leu; replaces phenylalanine 523 with leucine.
Molecular consequence: missense variant.
Genome position (GRCh38, 1-based): chr8:89,953,522, A>G on the plus strand (T>C on the coding strand, the complement: NBN is on the minus strand). VCF-style: chr8-89953522-A-G. GRCh37 (hg19) VCF-style: chr8-90965750-A-G.
Other names: c.1321T>C, p.Phe441Leu (NM_001024688.3); short protein forms F523L, F441L.
Identifiers: ClinVar variation 483977 (VCV000483977.9), dbSNP rs1554558419, ClinGen allele CA371655579.

ClinVar aggregate classification (germline): Uncertain significance. Review status: criteria provided, multiple submitters, no conflicts (2 of 4 stars). 2 submissions from 2 submitters: Uncertain significance (2). Last evaluated 2023-01-02.

Conditions:
Hereditary cancer-predisposing syndrome. Also called: Hereditary neoplastic syndrome; Neoplastic Syndromes, Hereditary; Tumor predisposition; Hereditary Cancer Syndrome. Identifiers: Orphanet 140162, MedGen C0027672, MeSH D009386, MONDO:0015356.
Microcephaly, normal intelligence and immunodeficiency (NBS). Also called: IMMUNODEFICIENCY, MICROCEPHALY, AND CHROMOSOMAL INSTABILITY; SEEMANOVA SYNDROME II; Nijmegen breakage syndrome; Microcephaly with normal intelligence immunodeficiency and lymphoreticular malignancies; Nonsyndromal microcephaly autosomal recessive with normal intelligence; Seemanova syndrome 2. Identifiers: Orphanet 647, MedGen C0398791, MONDO:0009623, OMIM 251260.

Allele frequency attached by ClinVar (database versions not stated): gnomAD 0.00001.
gnomAD v4.1: 1 of 1,613,682 alleles (0.000062%); highest among the groups gnomAD compares: African/African-American, 0.0013%; no homozygotes.

Submissions (2):

Labcorp Genetics (formerly Invitae), Labcorp
Classification: Uncertain significance for Microcephaly, normal intelligence and immunodeficiency. Last evaluated: 2023-01-02. Review status: criteria provided, single submitter. Criteria: Invitae Variant Classification Sherloc (09022015). Collection method: clinical testing. Allele origin: germline.
Comment: In summary, the available evidence is currently insufficient to determine the role of this variant in disease. Therefore, it has been classified as a Variant of Uncertain Significance. Algorithms developed to predict the effect of missense changes on protein structure and function output the following: SIFT: "Tolerated"; PolyPhen-2: "Benign"; Align-GVGD: "Class C0". The leucine amino acid residue is found in multiple mammalian species, which suggests that this missense change does not adversely affect protein function. ClinVar contains an entry for this variant (Variation ID: 483977). This variant has not been reported in the literature in individuals affected with NBN-related conditions. This variant is not present in population databases (gnomAD no frequency). This sequence change replaces phenylalanine, which is neutral and non-polar, with leucine, which is neutral and non-polar, at codon 523 of the NBN protein (p.Phe523Leu).

Ambry Genetics
Classification: Uncertain significance for Hereditary cancer-predisposing syndrome. Last evaluated: 2022-07-12. Review status: criteria provided, single submitter. Criteria: Ambry Variant Classification Scheme 2023. Collection method: clinical testing. Allele origin: germline.
Comment: The p.F523L variant (also known as c.1567T>C), located in coding exon 11 of the NBN gene, results from a T to C substitution at nucleotide position 1567. The phenylalanine at codon 523 is replaced by leucine, an amino acid with highly similar properties. This amino acid position is not well conserved in available vertebrate species. In addition, this alteration is predicted to be tolerated by in silico analysis. Since supporting evidence is limited at this time, the clinical significance of this alteration remains unclear.